The following is an entry in ClinVar:

ClinVar aggregate classification (germline): Likely benign (0 of 4 stars; one submission).

Conditions:
ACTN3-related disorder. Also called: ACTN3-related condition.

Allele frequency attached by ClinVar (database versions not stated): TOPMed 0.00048; ExAC 0.00053; gnomAD 0.00062; ESP Exome Variant Server 0.00077.
gnomAD v4.1: 890 of 1,608,738 alleles (0.055%); highest among the groups gnomAD compares: Non-Finnish European, 0.069%; 1 homozygote.

Submission:

PreventionGenetics, part of Exact Sciences
Classification: Likely benign for ACTN3-related condition. Last evaluated: 2019-09-05. Review status: no assertion criteria provided. Collection method: clinical testing. Allele origin: germline.
Comment: This variant is classified as likely benign based on ACMG/AMP sequence variant interpretation guidelines (Richards et al. 2015 PMID: 25741868, with internal and published modifications).

NM_001104.4(ACTN3):c.2397G>A (p.Val799=)

Gene: ACTN3 (actinin alpha 3; plus strand). Cytogenetic location: 11q13.2.
Variant type: single nucleotide variant.
Coding change: c.2397G>A on transcript NM_001104.4 (MANE Select); coding-DNA position 2397, G replaced by A.
Protein change: p.Val799=; no amino-acid change (valine 799 retained).
Molecular consequence: synonymous variant.
Genome position (GRCh38, 1-based): chr11:66,562,804, G>A. VCF-style: chr11-66562804-G-A. GRCh37 (hg19) VCF-style: chr11-66330275-G-A.
Other names: c.2526G>A, p.Val842= (NM_001258371.3).
Identifiers: ClinVar variation 3039292 (VCV003039292.2), dbSNP rs201288932, ClinGen allele CA6125064.
Genomic context (GRCh38, chr11:66,562,804, plus strand): 5'-CCCTCCTGGCTTTAGTGCTCATGGGCATAGTGCCTGGCCTCTATCCCTGCAGGGGGAAGT[G>A]GAGTTTGCTCGCATCATGACCATGGTGGACCCCAACGCAGCTGGGGTGGTGACCTTCCAG-3'
Protein context (NP_001095.2, residues 789-809): LISMGYDLGE[Val799=]EFARIMTMVD